The following is an entry in ClinVar:

NM_004369.4(COL6A3):c.6130G>A (p.Gly2044Arg)

Gene: COL6A3 (collagen type VI alpha 3 chain; minus strand). Cytogenetic location: 2q37.3.
Variant type: single nucleotide variant.
Coding change: c.6130G>A on transcript NM_004369.4 (MANE Select); coding-DNA position 6130, G replaced by A.
Protein change: p.Gly2044Arg; replaces glycine 2044 with arginine.
Molecular consequence: missense variant.
Genome position (GRCh38, 1-based): chr2:237,361,765, C>T on the plus strand (G>A on the coding strand, the complement: COL6A3 is on the minus strand). VCF-style: chr2-237361765-C-T. GRCh37 (hg19) VCF-style: chr2-238270408-C-T.
Other names: c.4309G>A, p.Gly1437Arg (NM_057166.5); c.5512G>A, p.Gly1838Arg (NM_057167.4); short protein forms G2044R, G1838R, G1437R.
Identifiers: ClinVar variation 567300 (VCV000567300.12), dbSNP rs1559229322, ClinGen allele CA351217740.
Genomic context (GRCh38, chr2:237,361,765, plus strand): 5'-ATCTCAGGCGTGGGCAAGGGTAAAGCCACCGTACCTTTGGCCCGATGCTGCCGATGGGCC[C>T]GCGGTCTCCCCTCTGCCCAGAGCACTTGCAGGGAACCCCACAGCAAGCTTTCTCGGCAAT-3'
Protein context (NP_004360.2, residues 2034-2054): CKCSGQRGDR[Gly2044Arg]PIGSIGPKGI

ClinVar aggregate classification (germline): Conflicting classifications of pathogenicity. Review status: criteria provided, conflicting classifications (1 of 4 stars). 3 submissions from 3 submitters: Likely pathogenic (2); Uncertain significance (1). Last evaluated 2023-05-23.

Conditions:
COL6A3-related disorder. Also called: COL6A3-related condition; COL6A3-related disorders.
Bethlem myopathy 1A. Also called: Bethlem myopathy 1; Bethlem Muscular Dystrophy; MYOPATHY, BENIGN CONGENITAL, WITH CONTRACTURES. Identifiers: Orphanet 610, MedGen CN029274, MONDO:0024530, OMIM 158810.

Submissions (3):

Labcorp Genetics (formerly Invitae), Labcorp
Classification: Likely pathogenic for Bethlem myopathy 1A. Last evaluated: 2023-05-23. Review status: criteria provided, single submitter. Criteria: Invitae Variant Classification Sherloc (09022015). Collection method: clinical testing. Allele origin: germline.
Comment: ClinVar contains an entry for this variant (Variation ID: 567300). This sequence change replaces glycine, which is neutral and non-polar, with arginine, which is basic and polar, at codon 2044 of the COL6A3 protein (p.Gly2044Arg). This variant is not present in population databases (gnomAD no frequency). This missense change has been observed in individual(s) with clinical features of autosomal dominant type VI collagenopathies (PMID: 24271325, 31127727). Advanced modeling of protein sequence and biophysical properties (such as structural, functional, and spatial information, amino acid conservation, physicochemical variation, residue mobility, and thermodynamic stability) performed at Invitae indicates that this missense variant is expected to disrupt COL6A3 protein function. This variant disrupts the triple helix domain of COL6A3. Glycine residues within the Gly-Xaa-Yaa repeats of the triple helix domain are required for the structure and stability of fibrillar collagens (PMID: 7695699, 8218237, 19344236). In COL6A3, missense variants at these glycine residues are significantly enriched in individuals with autosomal dominant disease (PMID: 15689448, 24038877) compared to the general population (ExAC). In summary, the currently available evidence indicates that the variant is pathogenic, but additional data are needed to prove that conclusively. Therefore, this variant has been classified as Likely Pathogenic.

Revvity Omics, Revvity
Classification: Uncertain significance. Last evaluated: 2020-03-25. Review status: criteria provided, single submitter. Criteria: ACMG Guidelines, 2015. Collection method: clinical testing. Allele origin: germline.

Blueprint Genetics
Classification: Likely pathogenic for COL6A3-related disorders. Last evaluated: 2020-02-19. Review status: criteria provided, single submitter. Criteria: ACMG Guidelines, 2015. Collection method: clinical testing. Allele origin: germline. Affected: yes. Observed: 3 variant alleles.

Literature cited by the submitters: PubMed 24271325 (cited by Labcorp Genetics (formerly Invitae), Labcorp); PubMed 31127727 (cited by Labcorp Genetics (formerly Invitae), Labcorp); PubMed 7695699 (cited by Labcorp Genetics (formerly Invitae), Labcorp); PubMed 8218237 (cited by Labcorp Genetics (formerly Invitae), Labcorp); PubMed 19344236 (cited by Labcorp Genetics (formerly Invitae), Labcorp); PubMed 15689448 (cited by Labcorp Genetics (formerly Invitae), Labcorp); PubMed 24038877 (cited by Labcorp Genetics (formerly Invitae), Labcorp).